The following is an entry in ClinVar:

NM_000069.3(CACNA1S):c.4301G>T (p.Gly1434Val)

Gene: CACNA1S (calcium voltage-gated channel subunit alpha1 S; minus strand). Cytogenetic location: 1q32.1.
Variant type: single nucleotide variant.
Coding change: c.4301G>T on transcript NM_000069.3 (MANE Select); coding-DNA position 4301, G replaced by T.
Protein change: p.Gly1434Val; replaces glycine 1434 with valine.
Molecular consequence: missense variant.
Genome position (GRCh38, 1-based): chr1:201,049,040, C>A on the plus strand (G>T on the coding strand, the complement: CACNA1S is on the minus strand). VCF-style: chr1-201049040-C-A. GRCh37 (hg19) VCF-style: chr1-201018168-C-A.
Other names: short protein forms G1434V.
Identifiers: ClinVar variation 3074079 (VCV003074079.1), dbSNP rs2464437886, ClinGen allele CA344146236.

ClinVar aggregate classification (germline): Uncertain significance (1 of 4 stars; one submission).

Conditions:
Malignant hyperthermia, susceptibility to, 5 (MHS5). Also called: CACNA1S-Related Malignant Hyperthermia Susceptibility. Identifiers: Orphanet 423, MedGen C1866077, MONDO:0011163, OMIM 601887.

Submission:

All of Us Research Program, National Institutes of Health
Classification: Uncertain significance for Malignant hyperthermia, susceptibility to, 5. Last evaluated: 2023-10-23. Review status: criteria provided, single submitter. Criteria: ACMG Guidelines, 2015. Collection method: clinical testing. Allele origin: germline. Inheritance: Autosomal dominant inheritance. Observed: 1 variant allele, 1 heterozygote.
Comment: This missense variant replaces glycine with valine at codon 1434 of the CACNA1S protein. Computational prediction suggests that this variant may have deleterious impact on protein structure and function (internally defined REVEL score threshold >= 0.7, PMID: 27666373). To our knowledge, functional studies have not been reported for this variant. This variant has not been reported in individuals affected with CACNA1S-related disorders in the literature. This variant has not been identified in the general population by the Genome Aggregation Database (gnomAD). The available evidence is insufficient to determine the role of this variant in disease conclusively. Therefore, this variant is classified as a Variant of Uncertain Significance.

This study involves interpretation of variants in research participants for the purpose of population health screening. Participant phenotype was not available at the time of variant classification. Additional details can be found in publication PMID: 35346344, PMCID: PMC8962531